The following is an entry in ClinVar:

NM_000477.7(ALB):c.*88G>T

Gene: ALB (albumin; plus strand). Cytogenetic location: 4q13.3.
Variant type: single nucleotide variant.
Coding change: c.*88G>T on transcript NM_000477.7 (MANE Select); 88 bases downstream of the stop codon, G replaced by T.
Molecular consequence: 3 prime UTR variant.
Genome position (GRCh38, 1-based): chr4:73,421,156, G>T. VCF-style: chr4-73421156-G-T. GRCh37 (hg19) VCF-style: chr4-74286873-G-T.
Other names: NC_000004.11:g.74286873G>T.
Identifiers: ClinVar variation 349642 (VCV000349642.6), dbSNP rs11538204, ClinGen allele CA2959773.

ClinVar aggregate classification (germline): Likely benign (1 of 4 stars; one submission).

Conditions:
Hyperthyroxinemia, familial dysalbuminemic (FDAH). Also called: EUTHYROID HYPERTHYROXINEMIA 1. Identifiers: MedGen C0342185, MONDO:0014448, OMIM 615999.

Allele frequency attached by ClinVar (database versions not stated): ExAC 0.00093; 1000 Genomes Project 30x 0.00141; TOPMed 0.00147; 1000 Genomes Project 0.00160.
gnomAD v4.1: 1,064 of 692,658 alleles (0.15%); highest among the groups gnomAD compares: Non-Finnish European, 0.22%; 1 homozygote.

Submissions (2):

Illumina Laboratory Services, Illumina
Classification: Likely benign for Hyperthyroxinemia, familial dysalbuminemic. Last evaluated: 2018-01-12. Review status: criteria provided, single submitter. Criteria: ICSL Variant Classification Criteria 13 December 2019. Collection method: clinical testing. Allele origin: germline.
Comment: This variant was observed in the ICSL laboratory as part of a predisposition screen in an ostensibly healthy population. It had not been previously curated by ICSL or reported in the Human Gene Mutation Database (HGMD: prior to June 1st, 2018), and was therefore a candidate for classification through an automated scoring system. Utilizing variant allele frequency, disease prevalence and penetrance estimates, and inheritance mode, an automated score was calculated to assess if this variant is too frequent to cause the disease. Based on the score and internal cut-off values, a variant classified as likely benign is not then subjected to further curation. The score for this variant resulted in a classification of likely benign for this disease.

Dr. Peter K. Rogan Lab, Western University
No classification provided (evidence only). Condition: Thymoma. Review status: no classification provided. Collection method: in vitro. Allele origin: not applicable. Functional consequence: retained intron. Not counted in ClinVar's aggregate classification.